The following is an entry in ClinVar:

NM_001128148.3(TFRC):c.1824C>A (p.Asn608Lys)

Gene: TFRC (transferrin receptor; minus strand). Cytogenetic location: 3q29.
Variant type: single nucleotide variant.
Coding change: c.1824C>A on transcript NM_001128148.3 (MANE Select); coding-DNA position 1824, C replaced by A.
Protein change: p.Asn608Lys; replaces asparagine 608 with lysine.
Molecular consequence: missense variant.
Genome position (GRCh38, 1-based): chr3:196,055,155, G>T on the plus strand (C>A on the coding strand, the complement: TFRC is on the minus strand). VCF-style: chr3-196055155-G-T. GRCh37 (hg19) VCF-style: chr3-195782026-G-T.
Other names: c.1581C>A, p.Asn527Lys (NM_001313965.2); c.978C>A, p.Asn326Lys (NM_001313966.2); c.1824C>A, p.Asn608Lys (NM_003234.4); short protein forms N608K, N527K, N326K.
Identifiers: ClinVar variation 4763570 (VCV004763570.2).
Genomic context (GRCh38, chr3:196,055,155, plus strand): 5'-GTATTGGTTCAGATCCCTCACAAATGAAAGCAGTTGGCTGTTGTACCTCTCATAGTCCAG[G>T]TTCAATTCAACATCATGGGTTAGTTTAATCACGAACTGACCAGCGACCTCTGCAGCTGCT-3'
Protein context (NP_001121620.1, residues 598-618): VIKLTHDVEL[Asn608Lys]LDYERYNSQL

ClinVar aggregate classification (germline): Uncertain significance. Review status: criteria provided, multiple submitters, no conflicts (2 of 4 stars). 2 submissions from 2 submitters: Uncertain significance (2). Last evaluated 2025-05-04.

gnomAD v4.1: 2 of 1,614,184 alleles (0.00012%); highest among the groups gnomAD compares: Non-Finnish European, 0.00017%; no homozygotes.

Submissions (2):

Labcorp Genetics (formerly Invitae), Labcorp
Classification: Uncertain significance. Last evaluated: 2025-05-04. Review status: criteria provided, single submitter. Criteria: Invitae Variant Classification Sherloc (09022015). Collection method: clinical testing. Allele origin: germline.
Comment: This sequence change replaces asparagine, which is neutral and polar, with lysine, which is basic and polar, at codon 608 of the TFRC protein (p.Asn608Lys). This variant is not present in population databases (gnomAD no frequency). This variant has not been reported in the literature in individuals affected with TFRC-related conditions. Invitae Evidence Modeling of protein sequence and biophysical properties (such as structural, functional, and spatial information, amino acid conservation, physicochemical variation, residue mobility, and thermodynamic stability) indicates that this missense variant is not expected to disrupt TFRC protein function with a negative predictive value of 80%. In summary, the available evidence is currently insufficient to determine the role of this variant in disease. Therefore, it has been classified as a Variant of Uncertain Significance.

Blueprint Genetics
Classification: Uncertain significance. Last evaluated: 2023-04-21. Review status: criteria provided, single submitter. Criteria: ACMG Guidelines, 2015. Collection method: clinical testing. Allele origin: germline.